The following is an entry in ClinVar:

ClinVar aggregate classification (germline): Likely benign (0 of 4 stars; one submission).

Conditions:
SGCG-related disorder. Also called: SGCG-related condition.

Submission:

PreventionGenetics, part of Exact Sciences
Classification: Likely benign for SGCG-related condition. Last evaluated: 2021-06-29. Review status: no assertion criteria provided. Collection method: clinical testing. Allele origin: germline.
Comment: This variant is classified as likely benign based on ACMG/AMP sequence variant interpretation guidelines (Richards et al. 2015 PMID: 25741868, with internal and published modifications).

NM_000231.3(SGCG):c.579-24_579-23del

Gene: SGCG (sarcoglycan gamma; plus strand). Cytogenetic location: 13q12.12.
Variant type: Deletion.
Coding change: c.579-24_579-23del on transcript NM_000231.3 (MANE Select); 24 bases into the intron before coding-DNA position 579 through 23 bases into the intron before coding-DNA position 579, 2 bases deleted (TT; older notation c.579-24_579-23delTT).
Molecular consequence: intron variant.
Genome position (GRCh38, 1-based): chr13:23,320,613-23,320,614, TT deleted; deleting any 2 consecutive bases within chr13:23,320,598-23,320,614 gives the same sequence; the c. name uses the placement nearest the transcript's 3' end. VCF-style (leftmost placement, unchanged base first): chr13-23320597-CTT-C. GRCh37 (hg19) VCF-style: chr13-23894736-CTT-C.
Other names: c.633-24_633-23del (NM_001378244.1); c.579-24_579-23del (NM_001378245.1, NM_001378246.1).
Identifiers: ClinVar variation 3055902 (VCV003055902.2), dbSNP rs67528585, ClinGen allele CA6909754.